The following is an entry in ClinVar:

ClinVar aggregate classification (germline): Benign (1 of 4 stars; one submission).

Conditions:
Short stature-pituitary and cerebellar defects-small sella turcica syndrome (CPHD4). Also called: Pituitary hormone deficiency, combined with or without cerebellar defects; Short stature, pituitary and cerebellar defects and small sella turcica. Identifiers: Orphanet 85442, MedGen C2678408, MONDO:0009880, OMIM 262700.

Allele frequency attached by ClinVar (database versions not stated): gnomAD exomes 0.00146; gnomAD 0.00805 and 0.00865; TOPMed 0.00869; 1000 Genomes Project 30x 0.01062; 1000 Genomes Project 0.01118.
gnomAD v4.1: 1,499 of 333,422 alleles (0.45%); highest among the groups gnomAD compares: African/African-American, 2.8%; 20 homozygotes.

Submission:

Illumina Laboratory Services, Illumina
Classification: Benign for Short stature-pituitary and cerebellar defects-small sella turcica syndrome. Last evaluated: 2018-01-13. Review status: criteria provided, single submitter. Criteria: ICSL Variant Classification Criteria 13 December 2019. Collection method: clinical testing. Allele origin: germline.
Comment: This variant was observed in the ICSL laboratory as part of a predisposition screen in an ostensibly healthy population. It had not been previously curated by ICSL or reported in the Human Gene Mutation Database (HGMD: prior to June 1st, 2018), and was therefore a candidate for classification through an automated scoring system. Utilizing variant allele frequency, disease prevalence and penetrance estimates, and inheritance mode, an automated score was calculated to assess if this variant is too frequent to cause the disease. Based on the score and internal cut-off values, a variant classified as benign is not then subjected to further curation. The score for this variant resulted in a classification of benign for this disease.

NM_033343.4(LHX4):c.*286G>C

Genes: ACBD6 (acyl-CoA binding domain containing 6; minus strand), LHX4 (LIM homeobox 4; plus strand). Cytogenetic location: 1q25.2.
Variant type: single nucleotide variant.
Coding change: c.*286G>C on transcript NM_033343.4 (MANE Select); 286 bases downstream of the stop codon, G replaced by C.
Molecular consequence: 3 prime UTR variant.
Genome position (GRCh38, 1-based): chr1:180,274,865, G>C. VCF-style: chr1-180274865-G-C. GRCh37 (hg19) VCF-style: chr1-180244000-G-C.
Identifiers: ClinVar variation 293879 (VCV000293879.5), dbSNP rs80203153, ClinGen allele CA10608417.